The following is an entry in ClinVar:

NM_004991.4(MECOM):c.718T>G (p.Ser240Ala)

Gene: MECOM (MDS1 and EVI1 complex locus; minus strand). Cytogenetic location: 3q26.2.
Variant type: single nucleotide variant.
Coding change: c.718T>G on transcript NM_004991.4 (MANE Select); coding-DNA position 718, T replaced by G.
Protein change: p.Ser240Ala; replaces serine 240 with alanine.
Molecular consequence: missense variant.
Genome position (GRCh38, 1-based): chr3:169,127,956, A>C on the plus strand (T>G on the coding strand, the complement: MECOM is on the minus strand). VCF-style: chr3-169127956-A-C. GRCh37 (hg19) VCF-style: chr3-168845744-A-C.
Other names: c.346T>G, p.Ser116Ala (NM_001105077.4); c.154T>G, p.Ser52Ala (NM_001105078.4, NM_001163999.2, NM_001164000.2 and 9 more transcripts); c.718T>G, p.Ser240Ala (NM_001366466.2, NM_001366473.2); short protein forms S116A, S52A, S240A.
Identifiers: ClinVar variation 3871764 (VCV003871764.1).
Genomic context (GRCh38, chr3:169,127,956, plus strand): 5'-GTATCTCTTGGAGATCATTCTCGCTTTCGAGTTTTTGCTGAAAGTCCTCTTCAACCATTG[A>C]AAATGCTGAGTGAGGAGTACTGCATGGAAACTTTTGGTGATCTGCTAGTTCAGCCTTAGA-3'
Protein context (NP_004982.2, residues 230-250): FPCSTPHSAF[Ser240Ala]MVEEDFQQKL

ClinVar aggregate classification (germline): Uncertain significance (1 of 4 stars; one submission).

Conditions:
Inborn genetic diseases. Identifiers: MedGen C0950123, MeSH D030342.

gnomAD v4.1: 1 of 1,614,092 alleles (0.000062%); highest among the groups gnomAD compares: Non-Finnish European, 0.000085%; no homozygotes.

Submission:

Ambry Genetics
Classification: Uncertain significance for Inborn genetic diseases. Last evaluated: 2025-01-28. Review status: criteria provided, single submitter. Criteria: Ambry Variant Classification Scheme 2023. Collection method: clinical testing. Allele origin: germline.
Comment: The p.S240A variant (also known as c.718T>G), located in coding exon 5 of the MECOM gene, results from a T to G substitution at nucleotide position 718. The serine at codon 240 is replaced by alanine, an amino acid with similar properties. This amino acid position is conserved. In addition, this alteration is predicted to be tolerated by in silico analysis. Based on the available evidence, the clinical significance of this variant remains unclear.